The following is an entry in ClinVar:

NM_000089.4(COL1A2):c.1666G>T (p.Gly556Cys)

Gene: COL1A2 (collagen type I alpha 2 chain; plus strand). Cytogenetic location: 7q21.3.
Variant type: single nucleotide variant.
Coding change: c.1666G>T on transcript NM_000089.4 (MANE Select); coding-DNA position 1666, G replaced by T.
Protein change: p.Gly556Cys; replaces glycine 556 with cysteine.
Molecular consequence: missense variant.
Genome position (GRCh38, 1-based): chr7:94,414,222, G>T. VCF-style: chr7-94414222-G-T. GRCh37 (hg19) VCF-style: chr7-94043534-G-T.
Other names: short protein forms G556C.
Identifiers: ClinVar variation 526894 (VCV000526894.10), dbSNP rs1554396832, ClinGen allele CA368222340.

ClinVar aggregate classification (germline): Pathogenic (1 of 4 stars; one submission).

Conditions:
Osteogenesis imperfecta type I (OI1). Also called: OI, TYPE I; OSTEOGENESIS IMPERFECTA TARDA; OSTEOGENESIS IMPERFECTA WITH BLUE SCLERAE; Lobstein's Disease; Classic Non-deforming Osteogenesis Imperfecta with Blue Sclerae; Lobstein disease. Identifiers: Orphanet 216796, Orphanet 666, MedGen C0023931, MONDO:0008146, OMIM 166200. Disease mechanism: loss of function.
Ehlers-Danlos syndrome, classic type, 1 (EDSCL1). Also called: Ehlers-Danlos Syndrome, Classic Type, COL5A1-Related; EDS I; Ehlers-Danlos syndrome, type 1; EHLERS-DANLOS SYNDROME, GRAVIS TYPE; EHLERS-DANLOS SYNDROME, SEVERE CLASSIC TYPE. Identifiers: MedGen C0268335, MONDO:0019567, OMIM 130000.

Submission:

Labcorp Genetics (formerly Invitae), Labcorp
Classification: Pathogenic for Osteogenesis imperfecta type I; Ehlers-Danlos syndrome, classic type, 1. Last evaluated: 2017-08-23. Review status: criteria provided, single submitter. Criteria: Invitae Variant Classification Sherloc (09022015). Collection method: clinical testing. Allele origin: germline.
Comment: For these reasons, this variant has been classified as Pathogenic. Glycine residues within the Gly-Xaa-Yaa repeats of the triple helix domain are required for the structure and stability of fibrillar collagens (PMID: 7695699, 8218237, 19344236). In COL1A2, missense variants at these glycine residues are significantly enriched in individuals with disease (PMID: 9016532, 17078022) compared to the general population (ExAC). Algorithms developed to predict the effect of missense changes on protein structure and function (SIFT, PolyPhen-2, Align-GVGD) all suggest that this variant is likely to be disruptive, but these predictions have not been confirmed by published functional studies and their clinical significance is uncertain. This variant has been reported in the literature in individuals affected with osteogenesis imperfecta (PMID: 26627451). This variant is not present in population databases (ExAC no frequency). This sequence change replaces glycine with cysteine at codon 556 of the COL1A2 protein (p.Gly556Cys). The glycine residue is highly conserved and there is a large physicochemical difference between glycine and cysteine.

Literature cited by the submitters: PubMed 7695699; PubMed 8218237; PubMed 19344236; PubMed 9016532; PubMed 17078022; PubMed 26627451.